The following is an entry in ClinVar:

NM_000257.4(MYH7):c.1304T>G (p.Met435Arg)

Gene: MYH7 (myosin heavy chain 7; minus strand). Cytogenetic location: 14q11.2.
Variant type: single nucleotide variant.
Coding change: c.1304T>G on transcript NM_000257.4 (MANE Select); coding-DNA position 1304, T replaced by G.
Protein change: p.Met435Arg; replaces methionine 435 with arginine.
Molecular consequence: missense variant.
Genome position (GRCh38, 1-based): chr14:23,429,058, A>C on the plus strand (T>G on the coding strand, the complement: MYH7 is on the minus strand). VCF-style: chr14-23429058-A-C. GRCh37 (hg19) VCF-style: chr14-23898267-A-C.
Other names: short protein forms M435R.
Identifiers: ClinVar variation 1407759 (VCV001407759.6), dbSNP rs1484300349, ClinGen allele CA389050906.

ClinVar aggregate classification (germline): Uncertain significance (1 of 4 stars; one submission).

Conditions:
Hypertrophic cardiomyopathy. Also called: HYPERTROPHIC MYOCARDIOPATHY. Identifiers: Orphanet 217569, MedGen C0007194, MeSH D002312, MONDO:0005045, HP:0001639.

Submission:

Labcorp Genetics (formerly Invitae), Labcorp
Classification: Uncertain significance for Hypertrophic cardiomyopathy. Last evaluated: 2021-10-15. Review status: criteria provided, single submitter. Criteria: Invitae Variant Classification Sherloc (09022015). Collection method: clinical testing. Allele origin: germline.
Comment: This sequence change replaces methionine with arginine at codon 435 of the MYH7 protein (p.Met435Arg). The methionine residue is highly conserved and there is a moderate physicochemical difference between methionine and arginine. This variant is not present in population databases (ExAC no frequency). This missense change has been observed in individual(s) with hypertrophic cardiomyopathy (PMID: 27247418). Algorithms developed to predict the effect of missense changes on protein structure and function are either unavailable or do not agree on the potential impact of this missense change (SIFT: "Deleterious"; PolyPhen-2: "Probably Damaging"; Align-GVGD: "Class C0"). This variant is found within a region of MYH7 between codons 181 and 937 that contains the majority of the myosin head domain. Missense variants in this region have been shown to be significantly overrepresented in individuals with hypertrophic cardiomyopathy (PMID: 27532257). In summary, the available evidence is currently insufficient to determine the role of this variant in disease. Therefore, it has been classified as a Variant of Uncertain Significance.

Literature cited by the submitters: PubMed 27247418; PubMed 27532257.